The following is an entry in ClinVar:

ClinVar aggregate classification (germline): Uncertain significance. Review status: criteria provided, multiple submitters, no conflicts (2 of 4 stars). 4 submissions from 4 submitters: Uncertain significance (4). Last evaluated 2025-08-22.

Conditions:
Inborn genetic diseases. Identifiers: MedGen C0950123, MeSH D030342.
Malignant hyperthermia, susceptibility to, 1 (MHS1). Also called: RYR1-Related Malignant Hyperthermia Susceptibility; Anesthesia related hyperthermia; Malignant hyperpyrexia; Fulminating hyperpyrexia; Pharmacogenic myopathy; Malignant hyperthermia suceptibility 1. Identifiers: Orphanet 423, MedGen C2930980, MONDO:0007783, OMIM 145600.
RYR1-related disorder. Also called: RYR1-related disorders; RYR1-related condition. Identifiers: MedGen CN239331.

Allele frequency attached by ClinVar (database versions not stated): gnomAD exomes below 0.00001; ExAC 0.00001; gnomAD 0.00001; TOPMed 0.00003.
gnomAD v4.1: 11 of 1,613,992 alleles (0.00068%); highest among the groups gnomAD compares: African/African-American, 0.008%; no homozygotes.

Submissions (4):

Ambry Genetics
Classification: Uncertain significance for Inborn genetic diseases. Last evaluated: 2025-08-22. Review status: criteria provided, single submitter. Criteria: Ambry Variant Classification Scheme 2023. Collection method: clinical testing. Allele origin: germline.

Color Diagnostics, LLC DBA Color Health
Classification: Uncertain significance for Malignant hyperthermia, susceptibility to, 1. Last evaluated: 2025-06-09. Review status: criteria provided, single submitter. Criteria: ACMG Guidelines, 2015. Collection method: clinical testing. Allele origin: germline.
Comment: This missense variant replaces valine with methionine at codon 3024 of the RYR1 protein. Computational prediction suggests that this variant may not impact protein structure and function. To our knowledge, functional studies have not been reported for this variant. This variant has not been reported in individuals affected with RYR1-related disorders in the literature. This variant has been identified in 1/31394 chromosomes in the general population by the Genome Aggregation Database (gnomAD). The available evidence is insufficient to determine the role of this variant in disease conclusively. Therefore, this variant is classified as a Variant of Uncertain Significance.

All of Us Research Program, National Institutes of Health
Classification: Uncertain significance for Malignant hyperthermia, susceptibility to, 1. Last evaluated: 2024-03-05. Review status: criteria provided, single submitter. Criteria: ACMG Guidelines, 2015. Collection method: clinical testing. Allele origin: germline. Inheritance: Autosomal dominant inheritance. Observed: 1 variant allele, 1 heterozygote.
Comment: This study involves interpretation of variants in research participants for the purpose of population health screening. Participant phenotype was not available at the time of variant classification. Additional details can be found in publication PMID: 35346344, PMCID: PMC8962531

Labcorp Genetics (formerly Invitae), Labcorp
Classification: Uncertain significance for RYR1-related disorder. Last evaluated: 2022-06-20. Review status: criteria provided, single submitter. Criteria: Invitae Variant Classification Sherloc (09022015). Collection method: clinical testing. Allele origin: germline.
Comment: This sequence change replaces valine, which is neutral and non-polar, with methionine, which is neutral and non-polar, at codon 3024 of the RYR1 protein (p.Val3024Met). This variant is present in population databases (rs759007399, gnomAD 0.01%). This variant has not been reported in the literature in individuals affected with RYR1-related conditions. ClinVar contains an entry for this variant (Variation ID: 1056454). Advanced modeling of protein sequence and biophysical properties (such as structural, functional, and spatial information, amino acid conservation, physicochemical variation, residue mobility, and thermodynamic stability) performed at Invitae indicates that this missense variant is not expected to disrupt RYR1 protein function. In summary, the available evidence is currently insufficient to determine the role of this variant in disease. Therefore, it has been classified as a Variant of Uncertain Significance.

NM_000540.3(RYR1):c.9070G>A (p.Val3024Met)

Gene: RYR1 (ryanodine receptor 1; plus strand). Cytogenetic location: 19q13.2.
Variant type: single nucleotide variant.
Coding change: c.9070G>A on transcript NM_000540.3 (MANE Select); coding-DNA position 9070, G replaced by A.
Protein change: p.Val3024Met; replaces valine 3024 with methionine.
Molecular consequence: missense variant.
Genome position (GRCh38, 1-based): chr19:38,510,729, G>A. VCF-style: chr19-38510729-G-A. GRCh37 (hg19) VCF-style: chr19-39001369-G-A.
Other names: c.9070G>A (NM_000540.2); c.9070G>A, p.Val3024Met (NM_001042723.2); short protein forms V3024M.
Identifiers: ClinVar variation 1056454 (VCV001056454.5), dbSNP rs759007399, ClinGen allele CA073109.